The following is an entry in ClinVar:

NM_006073.4(TRDN):c.22+276T>G

Gene: TRDN (triadin; minus strand). Cytogenetic location: 6q22.31.
Variant type: single nucleotide variant.
Coding change: c.22+276T>G on transcript NM_006073.4 (MANE Select); 276 bases into the intron after coding-DNA position 22, T replaced by G.
Molecular consequence: intron variant.
Genome position (GRCh38, 1-based): chr6:123,636,478, A>C on the plus strand (T>G on the coding strand, the complement: TRDN is on the minus strand). VCF-style: chr6-123636478-A-C. GRCh37 (hg19) VCF-style: chr6-123957623-A-C.
Other names: c.22+276T>G (NM_001251987.2, NM_001256020.2, NM_001256021.2 and 1 more transcripts).
Identifiers: ClinVar variation 680977 (VCV000680977.1), dbSNP rs9490844, ClinGen allele CA147322077.

ClinVar aggregate classification (germline): Benign (1 of 4 stars; one submission).

Allele frequency attached by ClinVar (database versions not stated): gnomAD 0.17010 and 0.17703; TOPMed 0.18116; 1000 Genomes Project 0.20108; 1000 Genomes Project 30x 0.20425.
gnomAD v4.1: 25,644 of 151,852 alleles (17%); highest among the groups gnomAD compares: African/African-American, 45%; 4,502 homozygotes.

Submission:

GeneDx
Classification: Benign. Last evaluated: 2018-06-14. Review status: criteria provided, single submitter. Criteria: GeneDx Variant Classification (06012015). Collection method: clinical testing. Allele origin: germline. Affected: yes.
Comment: This variant is considered likely benign or benign based on one or more of the following criteria: it is a conservative change, it occurs at a poorly conserved position in the protein, it is predicted to be benign by multiple in silico algorithms, and/or has population frequency not consistent with disease.